The following is an entry in ClinVar:

ClinVar aggregate classification (germline): Uncertain significance (1 of 4 stars; one submission).

Submission:

CeGaT Center for Human Genetics Tuebingen
Classification: Uncertain significance. Last evaluated: 2024-10-01. Review status: criteria provided, single submitter. Criteria: CeGaT Center For Human Genetics Tuebingen Variant Classification Criteria Version 2. Collection method: clinical testing. Allele origin: germline. Affected: yes. Observed: 1 variant allele.
Comment: CHD8: PM2

NM_001170629.2(CHD8):c.5587G>A (p.Ala1863Thr)

Gene: CHD8 (chromodomain helicase DNA binding protein 8; minus strand). Cytogenetic location: 14q11.2.
Variant type: single nucleotide variant.
Coding change: c.5587G>A on transcript NM_001170629.2 (MANE Select); coding-DNA position 5587, G replaced by A.
Protein change: p.Ala1863Thr; replaces alanine 1863 with threonine.
Molecular consequence: missense variant.
Genome position (GRCh38, 1-based): chr14:21,394,289, C>T on the plus strand (G>A on the coding strand, the complement: CHD8 is on the minus strand). VCF-style: chr14-21394289-C-T. GRCh37 (hg19) VCF-style: chr14-21862448-C-T.
Other names: c.4750G>A, p.Ala1584Thr (NM_020920.4); short protein forms A1584T, A1863T.
Identifiers: ClinVar variation 3389998 (VCV003389998.14).